The following is an entry in ClinVar:

ClinVar aggregate classification (germline): Uncertain significance (1 of 4 stars; one submission).

Conditions:
Aicardi-Goutieres syndrome 7 (AGS7). Identifiers: Orphanet 51, MedGen C3888244, MONDO:0014367, OMIM 615846.
Singleton-Merten syndrome 1 (SGMRT1). Also called: Widened medullary cavities of bone, aortic calcification, abnormal dentition, and muscular weakness; Syndrome of widened medullary cavities of the metacarpals and phalanges, aortic calcification and abnormal dentition. Identifiers: Orphanet 85191, MedGen C4225427, MONDO:0024535, OMIM 182250.

Allele frequency attached by ClinVar (database versions not stated): TOPMed below 0.00001.
gnomAD v4.1: 2 of 1,611,214 alleles (0.00012%); highest among the groups gnomAD compares: Non-Finnish European, 0.00017%; no homozygotes.

Submission:

Labcorp Genetics (formerly Invitae), Labcorp
Classification: Uncertain significance for Aicardi-Goutieres syndrome 7; Singleton-Merten syndrome 1. Last evaluated: 2023-07-13. Review status: criteria provided, single submitter. Criteria: Invitae Variant Classification Sherloc (09022015). Collection method: clinical testing. Allele origin: germline.
Comment: This variant is not present in population databases (gnomAD no frequency). This sequence change replaces valine, which is neutral and non-polar, with phenylalanine, which is neutral and non-polar, at codon 359 of the IFIH1 protein (p.Val359Phe). This variant has not been reported in the literature in individuals affected with IFIH1-related conditions. In summary, the available evidence is currently insufficient to determine the role of this variant in disease. Therefore, it has been classified as a Variant of Uncertain Significance. Advanced modeling of protein sequence and biophysical properties (such as structural, functional, and spatial information, amino acid conservation, physicochemical variation, residue mobility, and thermodynamic stability) has been performed at Invitae for this missense variant, however the output from this modeling did not meet the statistical confidence thresholds required to predict the impact of this variant on IFIH1 protein function.

NM_022168.4(IFIH1):c.1075G>T (p.Val359Phe)

Gene: IFIH1 (interferon induced with helicase C domain 1; minus strand). Cytogenetic location: 2q24.2.
Variant type: single nucleotide variant.
Coding change: c.1075G>T on transcript NM_022168.4 (MANE Select); coding-DNA position 1075, G replaced by T.
Protein change: p.Val359Phe; replaces valine 359 with phenylalanine.
Molecular consequence: missense variant.
Genome position (GRCh38, 1-based): chr2:162,288,155, C>A on the plus strand (G>T on the coding strand, the complement: IFIH1 is on the minus strand). VCF-style: chr2-162288155-C-A. GRCh37 (hg19) VCF-style: chr2-163144665-C-A.
Other names: short protein forms V359F.
Identifiers: ClinVar variation 2941234 (VCV002941234.3), dbSNP rs760272821, ClinGen allele CA349004544.